The following is an entry in ClinVar:

ClinVar aggregate classification (germline): Pathogenic (1 of 4 stars; one submission).

Submission:

Labcorp Genetics (formerly Invitae), Labcorp
Classification: Pathogenic. Last evaluated: 2020-02-28. Review status: criteria provided, single submitter. Criteria: Invitae Variant Classification Sherloc (09022015). Collection method: clinical testing. Allele origin: germline.
Comment: This sequence change creates a premature translational stop signal (p.Asn1844Lysfs*28) in the COL7A1 gene. It is expected to result in an absent or disrupted protein product. This variant is not present in population databases (ExAC no frequency). This variant has not been reported in the literature in individuals with COL7A1-related conditions. Loss-of-function variants in COL7A1 are known to be pathogenic (PMID: 16971478). For these reasons, this variant has been classified as Pathogenic.

Literature cited by the submitters: PubMed 16971478.

NM_000094.4(COL7A1):c.5531dup (p.Asn1844fs)

Gene: COL7A1 (collagen type VII alpha 1 chain; minus strand). Cytogenetic location: 3p21.31.
Variant type: Duplication.
Coding change: c.5531dup on transcript NM_000094.4 (MANE Select); coding-DNA position 5531, one base duplicated (A; older notation c.5531dupA).
Protein change: p.Asn1844fs; shifts the reading frame from asparagine 1844.
Molecular consequence: frameshift variant.
Genome position (GRCh38, 1-based): chr3:48,578,322, T duplicated on the plus strand (A on the coding strand, the reverse complement: COL7A1 is on the minus strand); the first of 6 consecutive T bases (chr3:48,578,322-48,578,327); duplicating any one gives the same sequence. VCF-style (leftmost placement, unchanged base first): chr3-48578321-G-GT. GRCh37 (hg19) VCF-style: chr3-48615754-G-GT.
Other names: short protein forms N1844fs.
Identifiers: ClinVar variation 1072758 (VCV001072758.5), dbSNP rs2107691045, ClinGen allele CA645522646.